The following is an entry in ClinVar:

ClinVar aggregate classification (germline): Uncertain significance (1 of 4 stars; one submission).

Conditions:
Developmental and epileptic encephalopathy, 32 (DEE32). Also called: Epileptic encephalopathy, early infantile, 32. Identifiers: Orphanet 442835, MedGen C4225350, MONDO:0014607, OMIM 616366.

Submission:

Labcorp Genetics (formerly Invitae), Labcorp
Classification: Uncertain significance for Developmental and epileptic encephalopathy, 32. Last evaluated: 2023-10-13. Review status: criteria provided, single submitter. Criteria: Invitae Variant Classification Sherloc (09022015). Collection method: clinical testing. Allele origin: germline.
Comment: This sequence change replaces threonine, which is neutral and polar, with isoleucine, which is neutral and non-polar, at codon 57 of the KCNA2 protein (p.Thr57Ile). This variant is not present in population databases (gnomAD no frequency). This variant has not been reported in the literature in individuals affected with KCNA2-related conditions. ClinVar contains an entry for this variant (Variation ID: 962503). Advanced modeling of protein sequence and biophysical properties (such as structural, functional, and spatial information, amino acid conservation, physicochemical variation, residue mobility, and thermodynamic stability) performed at Invitae indicates that this missense variant is expected to disrupt KCNA2 protein function. In summary, the available evidence is currently insufficient to determine the role of this variant in disease. Therefore, it has been classified as a Variant of Uncertain Significance.

NM_004974.4(KCNA2):c.170C>T (p.Thr57Ile)

Gene: KCNA2 (potassium voltage-gated channel subfamily A member 2; minus strand). Cytogenetic location: 1p13.3.
Variant type: single nucleotide variant.
Coding change: c.170C>T on transcript NM_004974.4 (MANE Select); coding-DNA position 170, C replaced by T.
Protein change: p.Thr57Ile; replaces threonine 57 with isoleucine.
Molecular consequence: missense variant.
Genome position (GRCh38, 1-based): chr1:110,604,613, G>A on the plus strand (C>T on the coding strand, the complement: KCNA2 is on the minus strand). VCF-style: chr1-110604613-G-A. GRCh37 (hg19) VCF-style: chr1-111147235-G-A.
Other names: c.170C>T, p.Thr57Ile (NM_001204269.2); short protein forms T57I.
Identifiers: ClinVar variation 962503 (VCV000962503.10), dbSNP rs1649517174, ClinGen allele CA341606535.